The following is an entry in ClinVar:

ClinVar aggregate classification (germline): Conflicting classifications of pathogenicity. Review status: criteria provided, conflicting classifications (1 of 4 stars). 2 submissions from 2 submitters: Uncertain significance (1); Likely benign (1). Last evaluated 2024-08-15.

Allele frequency attached by ClinVar (database versions not stated): gnomAD exomes 0.00001 and 0.00003; ExAC 0.00002; gnomAD 0.00002 and 0.00003; TOPMed 0.00003.
gnomAD v4.1: 22 of 1,613,810 alleles (0.0014%); highest among the groups gnomAD compares: Admixed American, 0.005%; no homozygotes.

Submissions (2):

Labcorp Genetics (formerly Invitae), Labcorp
Classification: Likely benign. Last evaluated: 2024-08-15. Review status: criteria provided, single submitter. Criteria: Invitae Variant Classification Sherloc (09022015). Collection method: clinical testing. Allele origin: germline.

GeneDx
Classification: Uncertain significance. Last evaluated: 2019-05-01. Review status: criteria provided, single submitter. Criteria: GeneDx Variant Classification Process June 2021. Collection method: clinical testing. Allele origin: germline. Affected: yes.
Comment: Has not been previously published as pathogenic or benign to our knowledge; In silico analysis, which includes protein predictors and evolutionary conservation, supports that this variant does not alter protein structure/function

NM_001457.4(FLNB):c.5188G>A (p.Glu1730Lys)

Gene: FLNB (filamin B; plus strand). Cytogenetic location: 3p14.3.
Variant type: single nucleotide variant.
Coding change: c.5188G>A on transcript NM_001457.4 (MANE Select); coding-DNA position 5188, G replaced by A.
Protein change: p.Glu1730Lys; replaces glutamic acid 1730 with lysine.
Molecular consequence: missense variant.
Genome position (GRCh38, 1-based): chr3:58,142,656, G>A. VCF-style: chr3-58142656-G-A. GRCh37 (hg19) VCF-style: chr3-58128383-G-A.
Other names: c.5281G>A, p.Glu1761Lys (NM_001164317.2); c.5155G>A, p.Glu1719Lys (NM_001164318.2); c.5116G>A, p.Glu1706Lys (NM_001164319.2); short protein forms E1706K, E1719K, E1730K, E1761K.
Identifiers: ClinVar variation 1304895 (VCV001304895.5), dbSNP rs773991765, ClinGen allele CA2468985.